The following is an entry in ClinVar:

ClinVar aggregate classification (germline): Conflicting classifications of pathogenicity. Review status: criteria provided, conflicting classifications (1 of 4 stars). 4 submissions from 4 submitters: Likely pathogenic (3); Uncertain significance (1). Last evaluated 2025-12-16.

Conditions:
Leigh syndrome (NULS). Also called: Leigh's necrotizing encephalopathy; Leigh's disease; Leigh's syndrome; Leigh Disease; Subacute necrotizing encephalopathy; Necrotizing encephalopathy infantile subacute of Leigh. Identifiers: Orphanet 506, MedGen C2931891, MONDO:0009723, OMIM 256000.
LIPT1-related disorder. Also called: LIPT1-related condition.
Lipoyl transferase 1 deficiency. Also called: Lipoyltransferase 1 deficiency. Identifiers: Orphanet 401862, MedGen C4225379, MONDO:0014576, OMIM 616299.

Submissions (4):

Women's Health and Genetics/Laboratory Corporation of America, LabCorp
Classification: Uncertain significance. Last evaluated: 2025-12-16. Review status: criteria provided, single submitter. Criteria: LabCorp Variant Classification Summary - May 2015. Collection method: clinical testing. Allele origin: germline.
Comment: Variant summary: LIPT1 c.368delA (p.Lys123SerfsX8) results in a premature termination codon, predicted to cause a truncation of the encoded protein or absence of the protein due to nonsense mediated decay, however current evidence is not sufficient to establish loss of function as a mechanism for disease. The frequency data for this variant in gnomAD is considered unreliable, as metrics indicate poor data quality at this position. To our knowledge, no occurrence of c.368delA in individuals affected with LIPT1-related conditions and no experimental evidence demonstrating its impact on protein function have been reported. ClinVar contains an entry for this variant (Variation ID: 3063680). Based on the evidence outlined above, the variant was classified as uncertain significance.

PreventionGenetics, part of Exact Sciences
Classification: Likely pathogenic for LIPT1-related condition. Last evaluated: 2025-04-08. Review status: criteria provided, single submitter. Criteria: ACMG Guidelines, 2015. Collection method: clinical testing. Allele origin: germline.
Comment: The LIPT1 c.368delA variant is predicted to result in a frameshift and premature protein termination (p.Lys123Serfs*8). To our knowledge, this variant has not been reported in the literature. This variant is reported in 0.015% of alleles in individuals of European (Finnish) descent in gnomAD. Frameshift variants in LIPT1 are expected to be pathogenic. This variant is interpreted as likely pathogenic.

Fulgent Genetics
Classification: Likely pathogenic for Lipoyl transferase 1 deficiency. Last evaluated: 2024-05-08. Review status: criteria provided, single submitter. Criteria: ACMG Guidelines, 2015. Collection method: clinical testing. Allele origin: germline.

Department of Pathology and Laboratory Medicine, Sinai Health System
Classification: Likely pathogenic for Leigh syndrome. Last evaluated: 2022-04-05. Review status: criteria provided, single submitter. Criteria: ACMG Guidelines, 2015. Collection method: research. Allele origin: germline.

NM_145199.3(LIPT1):c.368del (p.Lys123fs)

Genes: LIPT1 (lipoyltransferase 1; plus strand), MITD1 (microtubule interacting and trafficking domain containing 1; minus strand). Cytogenetic location: 2q11.2.
Variant type: Deletion.
Coding change: c.368del on transcript NM_145199.3 (MANE Select); coding-DNA position 368, one base deleted (A; older notation c.368delA).
Protein change: p.Lys123fs; shifts the reading frame from lysine 123.
Molecular consequence: frameshift variant. On other transcripts: non-coding transcript variant (2).
Genome position (GRCh38, 1-based): chr2:99,162,325, A deleted; the last of 8 consecutive A bases (chr2:99,162,318-99,162,325); deleting any one gives the same sequence. VCF-style (leftmost placement, unchanged base first): chr2-99162317-CA-C. GRCh37 (hg19) VCF-style: chr2-99778780-CA-C.
Other names: c.368delA (NM_145199.3, NM_145199.2); c.368del, p.Lys123fs (NM_001204830.2, NM_015929.4, NM_145197.3 and 1 more transcripts); short protein forms K123fs.
Identifiers: ClinVar variation 3063680 (VCV003063680.5), dbSNP rs780042765, ClinGen allele CA1797304.